The following is an entry in ClinVar:

NM_031955.6(SPATA16):c.149A>G (p.Asn50Ser)

Gene: SPATA16 (spermatogenesis associated 16; minus strand). Cytogenetic location: 3q26.31.
Variant type: single nucleotide variant.
Coding change: c.149A>G on transcript NM_031955.6 (MANE Select); coding-DNA position 149, A replaced by G.
Protein change: p.Asn50Ser; replaces asparagine 50 with serine.
Molecular consequence: missense variant.
Genome position (GRCh38, 1-based): chr3:173,117,583, T>C on the plus strand (A>G on the coding strand, the complement: SPATA16 is on the minus strand). VCF-style: chr3-173117583-T-C. GRCh37 (hg19) VCF-style: chr3-172835373-T-C.
Other names: short protein forms N50S.
Identifiers: ClinVar variation 344224 (VCV000344224.9), dbSNP rs16846624, ClinGen allele CA2708399.
Genomic context (GRCh38, chr3:173,117,583, plus strand): 5'-TTGATGCCCTTTGTCATTTTTGTTCTTTCAAGTGTGATTTCTACCTGTTTACCTCCACAG[T>C]TTTTCTTAATCTCTTGTGACATTTCCAGGATGTTAGGTGGGTGCGCTAAGGTGGACATTT-3'
Protein context (NP_114161.3, residues 40-60): ILEMSQEIKK[Asn50Ser]CGGKQVEITL

ClinVar aggregate classification (germline): Benign/Likely benign. Review status: criteria provided, multiple submitters, no conflicts (2 of 4 stars). 3 submissions from 3 submitters: Benign (1); Likely benign (2). Last evaluated 2018-07-04.

Conditions:
Spermatogenic failure 6 (SPGF6). Also called: ROUND-HEADED SPERMATOZOA; ACROSOME MALFORMATION OF SPERMATOZOA. Identifiers: Orphanet 171709, MedGen C4225503, MONDO:0007060, OMIM 102530.

Allele frequency attached by ClinVar (database versions not stated): gnomAD exomes 0.00108 and 0.00278; ExAC 0.00357; 1000 Genomes Project 0.01058; 1000 Genomes Project 30x 0.01093; gnomAD 0.01183 and 0.01264; ESP Exome Variant Server 0.01284; TOPMed 0.01302.
gnomAD v4.1: 3,474 of 1,613,658 alleles (0.22%); highest among the groups gnomAD compares: African/African-American, 4%; 68 homozygotes.

Submissions (3):

Labcorp Genetics (formerly Invitae), Labcorp
Classification: Benign. Last evaluated: 2018-07-04. Review status: criteria provided, single submitter. Criteria: Invitae Variant Classification Sherloc (09022015). Collection method: clinical testing. Allele origin: germline.

Illumina Laboratory Services, Illumina
Classification: Likely benign for Spermatogenic failure 6. Last evaluated: 2018-01-13. Review status: criteria provided, single submitter. Criteria: ICSL Variant Classification Criteria 13 December 2019. Collection method: clinical testing. Allele origin: germline.
Comment: This variant was observed in the ICSL laboratory as part of a predisposition screen in an ostensibly healthy population. It had not been previously curated by ICSL or reported in the Human Gene Mutation Database (HGMD: prior to June 1st, 2018), and was therefore a candidate for classification through an automated scoring system. Utilizing variant allele frequency, disease prevalence and penetrance estimates, and inheritance mode, an automated score was calculated to assess if this variant is too frequent to cause the disease. Based on the score and internal cut-off values, a variant classified as likely benign is not then subjected to further curation. The score for this variant resulted in a classification of likely benign for this disease.

Breakthrough Genomics
Classification: Likely benign. Review status: criteria provided, single submitter. Criteria: ACMG Guidelines, 2015. Collection method: not provided. Allele origin: germline. Inheritance: Autosomal recessive inheritance. Affected: yes.